The following is an entry in ClinVar:

ClinVar aggregate classification (germline): Uncertain significance (1 of 4 stars; one submission).

Conditions:
RANBP17-related disorder. Also called: RANBP17-related condition.

Submission:

PreventionGenetics, part of Exact Sciences
Classification: Uncertain significance for RANBP17-related condition. Last evaluated: 2024-10-14. Review status: criteria provided, single submitter. Criteria: ACMG Guidelines, 2015. Collection method: clinical testing. Allele origin: germline.
Comment: The RANBP17 c.362_363insAA variant is predicted to result in a frameshift and premature protein termination (p.Val122Argfs*16). To our knowledge, this variant has not been reported in the literature or in a large population database (gnomAD), indicating this variant is rare. To date, few loss-of-function variants in this gene have been reported in association with disease (Human Gene Mutation Database). At this time, the clinical significance of this variant is uncertain due to the absence of conclusive functional and genetic evidence.

NM_022897.5(RANBP17):c.362_363insAA (p.Val122fs)

Gene: RANBP17 (RAN binding protein 17; plus strand). Cytogenetic location: 5q35.1.
Variant type: Insertion.
Coding change: c.362_363insAA on transcript NM_022897.5 (MANE Select); coding-DNA positions 362 to 363, AA inserted.
Protein change: p.Val122fs; shifts the reading frame from valine 122.
Molecular consequence: frameshift variant.
Genome position: GRCh38 VCF-style: chr5-170892491-G-GAA. GRCh37 (hg19) VCF-style: chr5-170319495-G-GAA.
Other names: short protein forms V122fs.
Identifiers: ClinVar variation 4983751 (VCV004983751.1).